The following is an entry in ClinVar:

NM_000152.5(GAA):c.837G>T (p.Trp279Cys)

Gene: GAA (alpha glucosidase; plus strand). Cytogenetic location: 17q25.3.
Variant type: single nucleotide variant.
Coding change: c.837G>T on transcript NM_000152.5 (MANE Select); coding-DNA position 837, G replaced by T.
Protein change: p.Trp279Cys; replaces tryptophan 279 with cysteine.
Molecular consequence: missense variant.
Genome position (GRCh38, 1-based): chr17:80,107,701, G>T. VCF-style: chr17-80107701-G-T. GRCh37 (hg19) VCF-style: chr17-78081500-G-T.
Other names: c.837G>T, p.Trp279Cys (NM_001079803.3, NM_001079804.3, NM_001406741.1 and 1 more transcripts); short protein forms W279C.
Identifiers: ClinVar variation 1763158 (VCV001763158.2), dbSNP rs1364351022, ClinGen allele CA401363642.
Genomic context (GRCh38, chr17:80,107,701, plus strand): 5'-CCTCGCCGAGCACCTCAGTCCCCTGATGCTCAGCACCAGCTGGACCAGGATCACCCTGTG[G>T]AACCGGGACCTTGCGCCCACGGTACAGCGGCGGGCGGCGGGCGGGGGCACTGAGCTGGGG-3'
Protein context (NP_000143.2, residues 269-289): LSTSWTRITL[Trp279Cys]NRDLAPTPGA

ClinVar aggregate classification (germline): Uncertain significance (1 of 4 stars; one submission).

Conditions:
Cardiovascular phenotype. Identifiers: MedGen CN230736.

Submission:

Ambry Genetics
Classification: Uncertain significance for Cardiovascular phenotype. Last evaluated: 2022-03-25. Review status: criteria provided, single submitter. Criteria: Ambry Variant Classification Scheme 2023. Collection method: clinical testing. Allele origin: germline.
Comment: The p.W279C variant (also known as c.837G>T), located in coding exon 3 of the GAA gene, results from a G to T substitution at nucleotide position 837. The tryptophan at codon 279 is replaced by cysteine, an amino acid with highly dissimilar properties. This amino acid position is conserved. In addition, this alteration is predicted to be deleterious by in silico analysis. Since supporting evidence is limited at this time, the clinical significance of this alteration remains unclear.